The following is an entry in ClinVar:

NM_001035.3(RYR2):c.5370A>C (p.Lys1790Asn)

Gene: RYR2 (ryanodine receptor 2; plus strand). Cytogenetic location: 1q43.
Variant type: single nucleotide variant.
Coding change: c.5370A>C on transcript NM_001035.3 (MANE Select); coding-DNA position 5370, A replaced by C.
Protein change: p.Lys1790Asn; replaces lysine 1790 with asparagine.
Molecular consequence: missense variant.
Genome position (GRCh38, 1-based): chr1:237,614,498, A>C. VCF-style: chr1-237614498-A-C. GRCh37 (hg19) VCF-style: chr1-237777798-A-C.
Other names: short protein forms K1790N.
Identifiers: ClinVar variation 4690140 (VCV004690140.1).

ClinVar aggregate classification (germline): Uncertain significance (1 of 4 stars; one submission).

gnomAD v4.1: 1 of 1,613,966 alleles (0.000062%); highest among the groups gnomAD compares: Non-Finnish European, 0.000085%; no homozygotes.

Submission:

GeneDx
Classification: Uncertain significance. Last evaluated: 2025-07-30. Review status: criteria provided, single submitter. Criteria: GeneDx Variant Classification Process June 2021. Collection method: clinical testing. Allele origin: germline. Affected: yes.
Comment: Not observed at significant frequency in large population cohorts (gnomAD); In silico analysis supports that this missense variant has a deleterious effect on protein structure/function; Has not been previously published as pathogenic or benign to our knowledge; Not located in one of the three hot-spot regions of the RYR2 gene, where the majority of pathogenic missense variants occur (PMID: 19926015); This variant is associated with the following publications: (PMID: 19926015)